The following is an entry in ClinVar:

ClinVar aggregate classification (germline): Likely benign. Review status: criteria provided, multiple submitters, no conflicts (2 of 4 stars). 2 submissions from 2 submitters: Likely benign (2). Last evaluated 2025-09-27.

Allele frequency attached by ClinVar (database versions not stated): gnomAD exomes 0.00001; ExAC 0.00002.
gnomAD v4.1: 10 of 1,613,594 alleles (0.00062%); highest among the groups gnomAD compares: Admixed American, 0.0083%; no homozygotes.

Submissions (2):

Labcorp Genetics (formerly Invitae), Labcorp
Classification: Likely benign. Last evaluated: 2025-09-27. Review status: criteria provided, single submitter. Criteria: Invitae Variant Classification Sherloc (09022015). Collection method: clinical testing. Allele origin: germline.

GeneDx
Classification: Likely benign. Last evaluated: 2016-11-08. Review status: criteria provided, single submitter. Criteria: GeneDx Variant Classification (06012015). Collection method: clinical testing. Allele origin: germline. Affected: yes.
Comment: This variant is considered likely benign or benign based on one or more of the following criteria: it is a conservative change, it occurs at a poorly conserved position in the protein, it is predicted to be benign by multiple in silico algorithms, and/or has population frequency not consistent with disease.

NM_033109.5(PNPT1):c.423C>T (p.Leu141=)

Gene: PNPT1 (polyribonucleotide nucleotidyltransferase 1; minus strand). Cytogenetic location: 2p16.1.
Variant type: single nucleotide variant.
Coding change: c.423C>T on transcript NM_033109.5 (MANE Select); coding-DNA position 423, C replaced by T.
Protein change: p.Leu141=; no amino-acid change (leucine 141 retained).
Molecular consequence: synonymous variant.
Genome position (GRCh38, 1-based): chr2:55,683,815, G>A on the plus strand (C>T on the coding strand, the complement: PNPT1 is on the minus strand). VCF-style: chr2-55683815-G-A. GRCh37 (hg19) VCF-style: chr2-55910950-G-A.
Identifiers: ClinVar variation 390264 (VCV000390264.5), dbSNP rs777911727, ClinGen allele CA1668481.
Genomic context (GRCh38, chr2:55,683,815, plus strand): 5'-GGCAACTAAAAAACCTAAAGCAGAATCTACCTGTGTATCATAGAAGTAGCCAGCTGGAAA[G>A]AGCGGTCTAATTGAACGATCTGCCAAAAGAAAAAAAAACACATTAAACCGTACTGACAGA-3'
Protein context (NP_149100.2, residues 131-151): SRIIDRSIRP[Leu141=]FPAGYFYDTQ